The following is an entry in ClinVar:

ClinVar aggregate classification (germline): Likely pathogenic (1 of 4 stars; one submission).

Submission:

Labcorp Genetics (formerly Invitae), Labcorp
Classification: Likely pathogenic. Last evaluated: 2025-11-25. Review status: criteria provided, single submitter. Criteria: Invitae Variant Classification Sherloc (09022015). Collection method: clinical testing. Allele origin: germline.
Comment: This sequence change affects an acceptor splice site in intron 14 of the ABCA12 gene. It is expected to disrupt RNA splicing. Variants that disrupt the donor or acceptor splice site typically lead to a loss of protein function (PMID: 16199547), and loss-of-function variants in ABCA12 are known to be pathogenic (PMID: 20672373). This variant is not present in population databases (gnomAD no frequency). This variant has not been reported in the literature in individuals affected with ABCA12-related conditions. Algorithms developed to predict the effect of sequence changes on RNA splicing suggest that this variant may disrupt the consensus splice site. In summary, the currently available evidence indicates that the variant is pathogenic, but additional data are needed to prove that conclusively. Therefore, this variant has been classified as Likely Pathogenic.

Literature cited by the submitters: PubMed 16199547; PubMed 20672373.

NM_173076.3(ABCA12):c.1783-1G>T

Gene: ABCA12 (ATP binding cassette subfamily A member 12; minus strand). Cytogenetic location: 2q35.
Variant type: single nucleotide variant.
Coding change: c.1783-1G>T on transcript NM_173076.3 (MANE Select); the canonical splice acceptor site of the intron before coding-DNA position 1783, G replaced by T.
Molecular consequence: splice acceptor variant.
Genome position (GRCh38, 1-based): chr2:215,015,664, C>A on the plus strand (G>T on the coding strand, the complement: ABCA12 is on the minus strand). VCF-style: chr2-215015664-C-A. GRCh37 (hg19) VCF-style: chr2-215880388-C-A.
Other names: c.829-1G>T (NM_015657.4).
Identifiers: ClinVar variation 4731175 (VCV004731175.1).
Genomic context (GRCh38, chr2:215,015,664, plus strand): 5'-TAGTTTGGGAGTGGTGATATTAGTATCACAGGAATGCAGCCAGAACACCTGAGAAATAAT[C>A]TGCAAATGGAGGAAGAAAAATATTTCAACTGTGAATCATTCGAGAGTCAACTGTTCATTT-3'